The following is an entry in ClinVar:

ClinVar aggregate classification (germline): Likely benign. Review status: criteria provided, multiple submitters, no conflicts (2 of 4 stars). 4 submissions from 4 submitters: Likely benign (4). Last evaluated 2025-12-18.

Conditions:
PLEC-related disorder. Also called: PLEC-related condition; PLEC-related disorders.
Autosomal recessive limb-girdle muscular dystrophy type 2Q (LGMDR17). Also called: MUSCULAR DYSTROPHY, LIMB-GIRDLE, AUTOSOMAL RECESSIVE 17. Identifiers: Orphanet 254361, MedGen C3150989, MONDO:0013390, OMIM 613723.
Epidermolysis bullosa simplex 5B, with muscular dystrophy (EBS5B). Also called: EPIDERMOLYSIS BULLOSA SIMPLEX AND LIMB-GIRDLE MUSCULAR DYSTROPHY; Epidermolysis bullosa simplex with muscular dystrophy. Identifiers: Orphanet 257, MedGen C2931072, MONDO:0009181, OMIM 226670.
Epidermolysis bullosa simplex with nail dystrophy (EBS5D). Identifiers: MedGen C4225309, MONDO:0014661, OMIM 616487.
Epidermolysis bullosa simplex 5C, with pyloric atresia (EBS5C). Also called: PLEC-Related Epidermolysis Bullosa with Pyloric Atresia; Epidermolysis bullosa simplex with pyloric atresia; PLEC1-Related Epidermolysis Bullosa with Pyloric Atresia. Identifiers: Orphanet 158684, MedGen C2677349, MONDO:0012807, OMIM 612138.
Epidermolysis bullosa simplex, Ogna type (EBS5A). Also called: EPIDERMOLYSIS BULLOSA SIMPLEX 5A, OGNA TYPE; Pidermolysis bullosa simplex 5A, Ogna type. Identifiers: Orphanet 79401, MedGen C0432317, MONDO:0007555, OMIM 131950.

Allele frequency attached by ClinVar (database versions not stated): gnomAD exomes 0.00001; ExAC 0.00002; gnomAD 0.00003 and 0.00005; TOPMed 0.00003.
gnomAD v4.1: 18 of 1,612,968 alleles (0.0011%); highest among the groups gnomAD compares: African/African-American, 0.0093%; no homozygotes.

Submissions (4):

PreventionGenetics, part of Exact Sciences
Classification: Likely benign for PLEC-related condition. Last evaluated: 2025-12-18. Review status: criteria provided, single submitter. Criteria: ACMG Guidelines, 2015. Collection method: clinical testing. Allele origin: germline.
Comment: This variant is classified as likely benign based on ACMG/AMP sequence variant interpretation guidelines (Richards et al. 2015 PMID: 25741868, with internal and published modifications).

Labcorp Genetics (formerly Invitae), Labcorp
Classification: Likely benign for Autosomal recessive limb-girdle muscular dystrophy type 2Q; Epidermolysis bullosa simplex, Ogna type; Epidermolysis bullosa simplex with nail dystrophy; Epidermolysis bullosa simplex 5C, with pyloric atresia; Epidermolysis bullosa simplex 5B, with muscular dystrophy. Last evaluated: 2025-02-17. Review status: criteria provided, single submitter. Criteria: Invitae Variant Classification Sherloc (09022015). Collection method: clinical testing. Allele origin: germline.

Blueprint Genetics
Classification: Likely benign. Last evaluated: 2024-11-05. Review status: criteria provided, single submitter. Criteria: ACMG Guidelines, 2015. Collection method: clinical testing. Allele origin: germline.

GeneDx
Classification: Likely benign. Last evaluated: 2018-04-26. Review status: criteria provided, single submitter. Criteria: GeneDx Variant Classification (06012015). Collection method: clinical testing. Allele origin: germline. Affected: yes.
Comment: This variant is considered likely benign or benign based on one or more of the following criteria: it is a conservative change, it occurs at a poorly conserved position in the protein, it is predicted to be benign by multiple in silico algorithms, and/or has population frequency not consistent with disease.

NM_201384.3(PLEC):c.10008G>A (p.Thr3336=)

Gene: PLEC (plectin; minus strand). Cytogenetic location: 8q24.3.
Variant type: single nucleotide variant.
Coding change: c.10008G>A on transcript NM_201384.3 (MANE Select); coding-DNA position 10008, G replaced by A.
Protein change: p.Thr3336=; no amino-acid change (threonine 3336 retained).
Molecular consequence: synonymous variant.
Genome position (GRCh38, 1-based): chr8:143,919,813, C>T on the plus strand (G>A on the coding strand, the complement: PLEC is on the minus strand). VCF-style: chr8-143919813-C-T. GRCh37 (hg19) VCF-style: chr8-144993981-C-T.
Other names: c.10089G>A, p.Thr3363= (NM_000445.5); c.9966G>A, p.Thr3322= (NM_201378.4); c.9942G>A, p.Thr3314= (NM_201379.3); c.10419G>A, p.Thr3473= (NM_201380.4); c.9912G>A, p.Thr3304= (NM_201381.3); c.10008G>A, p.Thr3336= (NM_201382.4); c.10020G>A, p.Thr3340= (NM_201383.3); c.10089G>A (NM_000445.4).
Identifiers: ClinVar variation 682323 (VCV000682323.11), dbSNP rs782335694, ClinGen allele CA4924792.